The following is an entry in ClinVar:

NM_025099.6(CTC1):c.1673A>G (p.Glu558Gly)

Gene: CTC1 (CST telomere replication complex component 1; minus strand). Cytogenetic location: 17p13.1.
Variant type: single nucleotide variant.
Coding change: c.1673A>G on transcript NM_025099.6 (MANE Select); coding-DNA position 1673, A replaced by G.
Protein change: p.Glu558Gly; replaces glutamic acid 558 with glycine.
Molecular consequence: missense variant. On other transcripts: non-coding transcript variant (1).
Genome position (GRCh38, 1-based): chr17:8,234,600, T>C on the plus strand (A>G on the coding strand, the complement: CTC1 is on the minus strand). VCF-style: chr17-8234600-T-C. GRCh37 (hg19) VCF-style: chr17-8137918-T-C.
Other names: short protein forms E558G.
Identifiers: ClinVar variation 1336423 (VCV001336423.10), dbSNP rs371121503, ClinGen allele CA8372280.

ClinVar aggregate classification (germline): Uncertain significance. Review status: criteria provided, multiple submitters, no conflicts (2 of 4 stars). 4 submissions from 4 submitters: Uncertain significance (4). Last evaluated 2025-07-23.

Conditions:
CTC1-related disorder. Also called: CTC1-related condition.
Dyskeratosis congenita. Identifiers: Orphanet 1775, MedGen C0265965, MONDO:0015780.

Allele frequency attached by ClinVar (database versions not stated): gnomAD 0.00001; gnomAD exomes 0.00002 and 0.00005; ExAC 0.00008.
gnomAD v4.1: 27 of 1,612,002 alleles (0.0017%); highest among the groups gnomAD compares: South Asian, 0.0055%; no homozygotes.

Submissions (4):

PreventionGenetics, part of Exact Sciences
Classification: Uncertain significance for CTC1-related condition. Last evaluated: 2025-07-23. Review status: criteria provided, single submitter. Criteria: ACMG Guidelines, 2015. Collection method: clinical testing. Allele origin: germline.
Comment: The CTC1 c.1673A>G variant is predicted to result in the amino acid substitution p.Glu558Gly. This variant was reported in an individual with features suggestive of leukodystrophy who also carried the c.1056_1069delinsC (p.Ser353ProfsTer10) variant. It is unclear if the variants were detected on opposite alleles (Patient 116, Table S3, Ganapathy et al. 2019. PubMed ID: 31069529). This variant is reported in 0.013% of alleles in individuals of South Asian descent in gnomAD. At this time, the clinical significance of this variant is uncertain due to the absence of conclusive functional and genetic evidence.

Labcorp Genetics (formerly Invitae), Labcorp
Classification: Uncertain significance for Dyskeratosis congenita. Last evaluated: 2025-01-23. Review status: criteria provided, single submitter. Criteria: Invitae Variant Classification Sherloc (09022015). Collection method: clinical testing. Allele origin: germline.
Comment: This sequence change replaces glutamic acid, which is acidic and polar, with glycine, which is neutral and non-polar, at codon 558 of the CTC1 protein (p.Glu558Gly). This variant is present in population databases (rs371121503, gnomAD 0.01%). This missense change has been observed in individual(s) with CTC1-related conditions (PMID: 31069529). ClinVar contains an entry for this variant (Variation ID: 1336423). Invitae Evidence Modeling of protein sequence and biophysical properties (such as structural, functional, and spatial information, amino acid conservation, physicochemical variation, residue mobility, and thermodynamic stability) indicates that this missense variant is expected to disrupt CTC1 protein function with a positive predictive value of 80%. In summary, the available evidence is currently insufficient to determine the role of this variant in disease. Therefore, it has been classified as a Variant of Uncertain Significance.

Blueprint Genetics
Classification: Uncertain significance. Last evaluated: 2022-04-28. Review status: criteria provided, single submitter. Criteria: ACMG Guidelines, 2015. Collection method: clinical testing. Allele origin: germline.

Genetic Services Laboratory, University of Chicago
Classification: Uncertain significance. Last evaluated: 2019-06-21. Review status: criteria provided, single submitter. Criteria: ACMG Guidelines, 2015. Collection method: clinical testing. Allele origin: germline. Affected: no.

Literature cited by the submitters: PubMed 31069529 (cited by Labcorp Genetics (formerly Invitae), Labcorp).